The following is an entry in ClinVar:

NM_001040436.3(YARS2):c.347C>T (p.Thr116Met)

Gene: YARS2 (tyrosyl-tRNA synthetase 2; minus strand). Cytogenetic location: 12p11.21.
Variant type: single nucleotide variant.
Coding change: c.347C>T on transcript NM_001040436.3 (MANE Select); coding-DNA position 347, C replaced by T.
Protein change: p.Thr116Met; replaces threonine 116 with methionine.
Molecular consequence: missense variant.
Genome position (GRCh38, 1-based): chr12:32,755,528, G>A on the plus strand (C>T on the coding strand, the complement: YARS2 is on the minus strand). VCF-style: chr12-32755528-G-A. GRCh37 (hg19) VCF-style: chr12-32908462-G-A.
Other names: short protein forms T116M.
Identifiers: ClinVar variation 3390672 (VCV003390672.3).

ClinVar aggregate classification (germline): Uncertain significance. Review status: criteria provided, multiple submitters, no conflicts (2 of 4 stars). 2 submissions from 2 submitters: Uncertain significance (2). Last evaluated 2025-11-26.

gnomAD v4.1: 30 of 1,613,006 alleles (0.0019%); highest among the groups gnomAD compares: Non-Finnish European, 0.0022%; no homozygotes.

Submissions (2):

Labcorp Genetics (formerly Invitae), Labcorp
Classification: Uncertain significance. Last evaluated: 2025-11-26. Review status: criteria provided, single submitter. Criteria: Invitae Variant Classification Sherloc (09022015). Collection method: clinical testing. Allele origin: germline.
Comment: This sequence change replaces threonine, which is neutral and polar, with methionine, which is neutral and non-polar, at codon 116 of the YARS2 protein (p.Thr116Met). This variant is not present in population databases (gnomAD no frequency). This variant has not been reported in the literature in individuals affected with YARS2-related conditions. ClinVar contains an entry for this variant (Variation ID: 3390672). Invitae Evidence Modeling of protein sequence and biophysical properties (such as structural, functional, and spatial information, amino acid conservation, physicochemical variation, residue mobility, and thermodynamic stability) indicates that this missense variant is expected to disrupt YARS2 protein function with a positive predictive value of 95%. In summary, the available evidence is currently insufficient to determine the role of this variant in disease. Therefore, it has been classified as a Variant of Uncertain Significance.

GeneDx
Classification: Uncertain significance. Last evaluated: 2025-01-08. Review status: criteria provided, single submitter. Criteria: GeneDx Variant Classification Process June 2021. Collection method: clinical testing. Allele origin: germline.
Comment: Not observed at significant frequency in large population cohorts (gnomAD); In silico analysis supports that this missense variant has a deleterious effect on protein structure/function; Has not been previously published as pathogenic or benign to our knowledge